The following is an entry in ClinVar:

NM_007078.3(LDB3):c.1231+209G>A

Gene: LDB3 (LIM domain binding 3; plus strand). Cytogenetic location: 10q23.2.
Variant type: single nucleotide variant.
Coding change: c.1231+209G>A on transcript NM_007078.3 (MANE Select); 209 bases into the intron after coding-DNA position 1231, G replaced by A.
Molecular consequence: intron variant.
Genome position (GRCh38, 1-based): chr10:86,710,259, G>A. VCF-style: chr10-86710259-G-A. GRCh37 (hg19) VCF-style: chr10-88470016-G-A.
Other names: c.1042+209G>A (NM_001368064.1, NM_001368065.1); c.1246+209G>A (NM_001171610.2); c.1090+209G>A (NM_001368066.1); c.901+209G>A (NM_001080114.2).
Identifiers: ClinVar variation 674605 (VCV000674605.2), dbSNP rs143431229, ClinGen allele CA211199491.

ClinVar aggregate classification (germline): Likely benign. Review status: criteria provided, multiple submitters, no conflicts (2 of 4 stars). 2 submissions from 2 submitters: Likely benign (2). Last evaluated 2018-06-19.

Allele frequency attached by ClinVar (database versions not stated): 1000 Genomes Project 0.00240; 1000 Genomes Project 30x 0.00250; TOPMed 0.00428; gnomAD 0.00520 and 0.00530.
gnomAD v4.1: 5,112 of 985,326 alleles (0.52%); highest among the groups gnomAD compares: Middle Eastern, 1.3%; 15 homozygotes.

Submissions (2):

GeneDx
Classification: Likely benign. Last evaluated: 2018-06-19. Review status: criteria provided, single submitter. Criteria: GeneDx Variant Classification (06012015). Collection method: clinical testing. Allele origin: germline. Affected: yes.
Comment: This variant is considered likely benign or benign based on one or more of the following criteria: it is a conservative change, it occurs at a poorly conserved position in the protein, it is predicted to be benign by multiple in silico algorithms, and/or has population frequency not consistent with disease.

Breakthrough Genomics
Classification: Likely benign. Review status: criteria provided, single submitter. Criteria: ACMG Guidelines, 2015. Collection method: not provided. Allele origin: germline. Inheritance: Autosomal dominant inheritance. Affected: yes.